The following is an entry in ClinVar:

ClinVar aggregate classification (germline): Uncertain significance (1 of 4 stars; one submission).

Conditions:
46 XY differences of sex development. Also called: 46, XY disorder of sex development (DSD); 46,XY disorder of sex development. Identifiers: Orphanet 98085, MedGen C2751824, MONDO:0020040.
Oligosynaptic infertility (SPGF1). Also called: SPERMATOGENIC FAILURE 1; OLIGOCHIASMATIC INFERTILITY. Identifiers: MedGen C0403810, MONDO:0009776, OMIM 258150.

Submission:

Labcorp Genetics (formerly Invitae), Labcorp
Classification: Uncertain significance for 46 XY differences of sex development; Oligosynaptic infertility. Last evaluated: 2024-12-17. Review status: criteria provided, single submitter. Criteria: Invitae Variant Classification Sherloc (09022015). Collection method: clinical testing. Allele origin: germline.
Comment: This sequence change falls in intron 4 of the NR5A1 gene. It does not directly change the encoded amino acid sequence of the NR5A1 protein. Information on the frequency of this variant in the gnomAD database is not available, as this variant may be reported differently in the database. This variant has not been reported in the literature in individuals affected with NR5A1-related conditions. Experimental studies and prediction algorithms are not available or were not evaluated, and the effect of this variant on mRNA splicing is currently unknown. In summary, the available evidence is currently insufficient to determine the role of this variant in disease. Therefore, it has been classified as a Variant of Uncertain Significance.

NM_004959.5(NR5A1):c.871-21_871-20delinsTT

Gene: NR5A1 (nuclear receptor subfamily 5 group A member 1; minus strand). Cytogenetic location: 9q33.3.
Variant type: Indel.
Coding change: c.871-21_871-20delinsTT on transcript NM_004959.5 (MANE Select); 21 bases into the intron before coding-DNA position 871 through 20 bases into the intron before coding-DNA position 871, CC replaced by TT.
Molecular consequence: intron variant.
Genome position (GRCh38, 1-based): chr9:124,493,169-124,493,170, GG replaced by AA on the plus strand (CC replaced by TT on the coding strand, the reverse complement: NR5A1 is on the minus strand). VCF-style: chr9-124493169-GG-AA. GRCh37 (hg19) VCF-style: chr9-127255448-GG-AA.
Identifiers: ClinVar variation 3758479 (VCV003758479.2).